The following is an entry in ClinVar:

NM_000144.5(FXN):c.169del (p.Ser57fs)

Gene: FXN (frataxin; plus strand). Cytogenetic location: 9q21.11.
Variant type: Deletion.
Coding change: c.169del on transcript NM_000144.5 (MANE Select); coding-DNA position 169, one base deleted (T; older notation c.169delT).
Protein change: p.Ser57fs; shifts the reading frame from serine 57.
Molecular consequence: frameshift variant.
Genome position (GRCh38, 1-based): chr9:69,046,388, T deleted; the last of 2 consecutive T bases (chr9:69,046,387-69,046,388); deleting either gives the same sequence. VCF-style (leftmost placement, unchanged base first): chr9-69046386-GT-G. GRCh37 (hg19) VCF-style: chr9-71661302-GT-G.
Other names: c.169del, p.Ser57fs (NM_181425.3); short protein forms S57fs.
Identifiers: ClinVar variation 1807205 (VCV001807205.1), dbSNP rs2539187451, ClinGen allele CA2580080534.

ClinVar aggregate classification (germline): Pathogenic (1 of 4 stars; one submission).

Submission:

Athena Diagnostics
Classification: Pathogenic. Last evaluated: 2022-08-01. Review status: criteria provided, single submitter. Criteria: Athena Diagnostics Criteria. Collection method: clinical testing. Allele origin: unknown.
Comment: This variant is expected to result in the loss of a functional protein. This variant has not been reported in large, multi-ethnic general populations. This variant has been identified in at least one individual tested at Athena Diagnostics with clinical features associated with this gene.